The following is an entry in ClinVar:

NM_152424.4(AMER1):c.3161C>T (p.Pro1054Leu)

Gene: AMER1 (APC membrane recruitment protein 1; minus strand). Cytogenetic location: Xq11.2.
Variant type: single nucleotide variant.
Coding change: c.3161C>T on transcript NM_152424.4 (MANE Select); coding-DNA position 3161, C replaced by T.
Protein change: p.Pro1054Leu; replaces proline 1054 with leucine.
Molecular consequence: missense variant.
Genome position (GRCh38, 1-based): chrX:64,190,126, G>A on the plus strand (C>T on the coding strand, the complement: AMER1 is on the minus strand). VCF-style: chrX-64190126-G-A. GRCh37 (hg19) VCF-style: chrX-63410006-G-A.
Other names: short protein forms P1054L.
Identifiers: ClinVar variation 2007917 (VCV002007917.4), dbSNP rs2521199620, ClinGen allele CA413301394.
Genomic context (GRCh38, chrX:64,190,126, plus strand): 5'-TGTGGTAGAGGGCTGGGGCTGAAGCCTCCAGAACTGGAAGAGCAACTGGGCTCATCAACA[G>A]GCAGCAGCACATCTCGAGGCCTGGCCCTCATGCTCTGGGAGGCCTGTGGCTGGAGGTTAT-3'
Protein context (NP_689637.3, residues 1044-1064): MRARPRDVLL[Pro1054Leu]VDEPSCSSSS

ClinVar aggregate classification (germline): Uncertain significance (1 of 4 stars; one submission).

Submission:

Labcorp Genetics (formerly Invitae), Labcorp
Classification: Uncertain significance. Last evaluated: 2022-06-18. Review status: criteria provided, single submitter. Criteria: Invitae Variant Classification Sherloc (09022015). Collection method: clinical testing. Allele origin: germline.
Comment: In summary, the available evidence is currently insufficient to determine the role of this variant in disease. Therefore, it has been classified as a Variant of Uncertain Significance. Algorithms developed to predict the effect of missense changes on protein structure and function are either unavailable or do not agree on the potential impact of this missense change (SIFT: "Deleterious"; PolyPhen-2: "Possibly Damaging"; Align-GVGD: "Class C0"). This variant has not been reported in the literature in individuals affected with AMER1-related conditions. This variant is not present in population databases (gnomAD no frequency). This sequence change replaces proline, which is neutral and non-polar, with leucine, which is neutral and non-polar, at codon 1054 of the AMER1 protein (p.Pro1054Leu).